The following is an entry in ClinVar:

ClinVar aggregate classification (germline): Uncertain significance (1 of 4 stars; one submission).

Allele frequency attached by ClinVar (database versions not stated): ExAC 0.00001.
gnomAD v4.1: 18 of 1,613,860 alleles (0.0011%); highest among the groups gnomAD compares: South Asian, 0.0033%; no homozygotes.

Submission:

Labcorp Genetics (formerly Invitae), Labcorp
Classification: Uncertain significance. Last evaluated: 2025-07-27. Review status: criteria provided, single submitter. Criteria: Invitae Variant Classification Sherloc (09022015). Collection method: clinical testing. Allele origin: germline.
Comment: This sequence change replaces valine, which is neutral and non-polar, with methionine, which is neutral and non-polar, at codon 164 of the P4HB protein (p.Val164Met). This variant is present in population databases (rs773525575, gnomAD 0.003%). This variant has not been reported in the literature in individuals affected with P4HB-related conditions. ClinVar contains an entry for this variant (Variation ID: 3019799). Invitae Evidence Modeling of protein sequence and biophysical properties (such as structural, functional, and spatial information, amino acid conservation, physicochemical variation, residue mobility, and thermodynamic stability) indicates that this missense variant is not expected to disrupt P4HB protein function with a negative predictive value of 80%. In summary, the available evidence is currently insufficient to determine the role of this variant in disease. Therefore, it has been classified as a Variant of Uncertain Significance.

NM_000918.4(P4HB):c.490G>A (p.Val164Met)

Gene: P4HB (prolyl 4-hydroxylase subunit beta; minus strand). Cytogenetic location: 17q25.3.
Variant type: single nucleotide variant.
Coding change: c.490G>A on transcript NM_000918.4 (MANE Select); coding-DNA position 490, G replaced by A.
Protein change: p.Val164Met; replaces valine 164 with methionine.
Molecular consequence: missense variant.
Genome position (GRCh38, 1-based): chr17:81,855,276, C>T on the plus strand (G>A on the coding strand, the complement: P4HB is on the minus strand). VCF-style: chr17-81855276-C-T. GRCh37 (hg19) VCF-style: chr17-79813152-C-T.
Other names: short protein forms V164M.
Identifiers: ClinVar variation 3019799 (VCV003019799.3), dbSNP rs773525575, ClinGen allele CA8842934.